The following is an entry in ClinVar:

NM_177972.3(TUB):c.552G>A (p.Thr184=)

Genes: RIC3 (RIC3 acetylcholine receptor chaperone; minus strand), TUB (TUB bipartite transcription factor; plus strand). Cytogenetic location: 11p15.4.
Variant type: single nucleotide variant.
Coding change: c.552G>A on transcript NM_177972.3 (MANE Select); coding-DNA position 552, G replaced by A.
Protein change: p.Thr184=; no amino-acid change (threonine 184 retained).
Molecular consequence: synonymous variant.
Genome position (GRCh38, 1-based): chr11:8,095,652, G>A. VCF-style: chr11-8095652-G-A. GRCh37 (hg19) VCF-style: chr11-8117199-G-A.
Other names: c.717G>A, p.Thr239= (NM_003320.5); c.717G>A (NM_003320.4).
Identifiers: ClinVar variation 1668407 (VCV001668407.9), dbSNP rs141341931, ClinGen allele CA5871131.

ClinVar aggregate classification (germline): Likely benign. Review status: criteria provided, single submitter (1 of 4 stars). 2 submissions from 2 submitters: Likely benign (1). 1 of the submissions does not count toward it. Last evaluated 2024-12-02.

Conditions:
TUB-related disorder. Also called: TUB-related condition.

Allele frequency attached by ClinVar (database versions not stated): ExAC 0.00001; gnomAD exomes 0.00001; gnomAD 0.00002; TOPMed 0.00003; ESP Exome Variant Server 0.00008.
gnomAD v4.1: 24 of 1,601,552 alleles (0.0015%); highest among the groups gnomAD compares: African/African-American, 0.0027%; no homozygotes.

Submissions (2):

Labcorp Genetics (formerly Invitae), Labcorp
Classification: Likely benign. Last evaluated: 2024-12-02. Review status: criteria provided, single submitter. Criteria: Invitae Variant Classification Sherloc (09022015). Collection method: clinical testing. Allele origin: germline.

PreventionGenetics, part of Exact Sciences
Classification: Likely benign for TUB-related condition. Last evaluated: 2023-04-14. Review status: no assertion criteria provided. Collection method: clinical testing. Allele origin: germline. Not counted in ClinVar's aggregate classification.
Comment: This variant is classified as likely benign based on ACMG/AMP sequence variant interpretation guidelines (Richards et al. 2015 PMID: 25741868, with internal and published modifications).